The following is an entry in ClinVar:

ClinVar aggregate classification (germline): Uncertain significance (1 of 4 stars; one submission).

Conditions:
Cardiomyopathy (CMYO). Also called: Cardiomyopathies. Identifiers: Orphanet 167848, MedGen C0878544, MONDO:0004994, HP:0001638. Inheritance: Various modes of inheritance.

gnomAD v4.1: 1 of 1,613,874 alleles (0.000062%); no homozygotes.

Submission:

Color Diagnostics, LLC DBA Color Health
Classification: Uncertain significance for Cardiomyopathy. Last evaluated: 2025-11-10. Review status: criteria provided, single submitter. Criteria: ACMG Guidelines, 2015. Collection method: clinical testing. Allele origin: germline.
Comment: This missense variant replaces alanine with valine at codon 311 of the DSP protein. Computational prediction suggests that this variant may not impact protein structure and function. To our knowledge, functional studies have not been reported for this variant. This variant has not been reported in individuals affected with DSP-related disorders in the literature. This variant has not been identified in the general population by the Genome Aggregation Database (gnomAD). The available evidence is insufficient to determine the role of this variant in disease conclusively. Therefore, this variant is classified as a Variant of Uncertain Significance.

NM_004415.4(DSP):c.932C>T (p.Ala311Val)

Gene: DSP (desmoplakin; plus strand). Cytogenetic location: 6p24.3.
Variant type: single nucleotide variant.
Coding change: c.932C>T on transcript NM_004415.4 (MANE Select); coding-DNA position 932, C replaced by T.
Protein change: p.Ala311Val; replaces alanine 311 with valine.
Molecular consequence: missense variant.
Genome position (GRCh38, 1-based): chr6:7,565,513, C>T. VCF-style: chr6-7565513-C-T. GRCh37 (hg19) VCF-style: chr6-7565746-C-T.
Other names: c.932C>T, p.Ala311Val (NM_001319034.2, NM_001406591.1, NM_001008844.3); short protein forms A311V.
Identifiers: ClinVar variation 3894098 (VCV003894098.2).